The following is an entry in ClinVar:

ClinVar aggregate classification (germline): Conflicting classifications of pathogenicity. Review status: criteria provided, conflicting classifications (1 of 4 stars). 2 submissions from 2 submitters: Uncertain significance (1); Likely benign (1). Last evaluated 2023-08-10.

Allele frequency attached by ClinVar (database versions not stated): gnomAD exomes below 0.00001; TOPMed below 0.00001; ExAC 0.00001; gnomAD 0.00001.
gnomAD v4.1: 6 of 1,595,140 alleles (0.00038%); highest among the groups gnomAD compares: Non-Finnish European, 0.00051%; no homozygotes.

Submissions (2):

Labcorp Genetics (formerly Invitae), Labcorp
Classification: Uncertain significance. Last evaluated: 2023-08-10. Review status: criteria provided, single submitter. Criteria: Invitae Variant Classification Sherloc (09022015). Collection method: clinical testing. Allele origin: germline.
Comment: ClinVar contains an entry for this variant (Variation ID: 2159392). Advanced modeling of protein sequence and biophysical properties (such as structural, functional, and spatial information, amino acid conservation, physicochemical variation, residue mobility, and thermodynamic stability) performed at Invitae indicates that this missense variant is not expected to disrupt DDX58 protein function. In summary, the available evidence is currently insufficient to determine the role of this variant in disease. Therefore, it has been classified as a Variant of Uncertain Significance. This variant has not been reported in the literature in individuals affected with DDX58-related conditions. This sequence change replaces glutamic acid, which is acidic and polar, with lysine, which is basic and polar, at codon 591 of the DDX58 protein (p.Glu591Lys). This variant is present in population databases (rs762197606, gnomAD 0.002%).

Blueprint Genetics
Classification: Likely benign. Last evaluated: 2023-03-03. Review status: criteria provided, single submitter. Criteria: ACMG Guidelines, 2015. Collection method: clinical testing. Allele origin: germline.

NM_014314.4(RIGI):c.1771G>A (p.Glu591Lys)

Gene: RIGI (RNA sensor RIG-I; minus strand). Cytogenetic location: 9p21.1.
Variant type: single nucleotide variant.
Coding change: c.1771G>A on transcript NM_014314.4 (MANE Select); coding-DNA position 1771, G replaced by A.
Protein change: p.Glu591Lys; replaces glutamic acid 591 with lysine.
Molecular consequence: missense variant.
Genome position (GRCh38, 1-based): chr9:32,480,222, C>T on the plus strand (G>A on the coding strand, the complement: RIGI is on the minus strand). VCF-style: chr9-32480222-C-T. GRCh37 (hg19) VCF-style: chr9-32480220-C-T.
Other names: c.1765G>A, p.Glu589Lys (NM_001385907.1); c.1771G>A, p.Glu591Lys (NM_001385909.1); c.1330G>A, p.Glu444Lys (NM_001385910.1); c.1162G>A, p.Glu388Lys (NM_001385912.1); c.1756G>A, p.Glu586Lys (NM_001385913.1); c.1327G>A, p.Glu443Lys (NM_001385914.1); short protein forms E586K, E591K, E589K, E388K, E443K, E444K.
Identifiers: ClinVar variation 2159392 (VCV002159392.5), dbSNP rs762197606, ClinGen allele CA5019697.
Genomic context (GRCh38, chr9:32,480,222, plus strand): 5'-GCCATTCCAGTCACCAAGAATGCTACTGTGGCTTCCTCCTCTGAAAACACCACTCACCTT[C>T]AAATCTCTGAGTAAGATCTTGCTCAATCTCATCGAATCCTGCTGCTCGGACATTGCTGAA-3'
Protein context (NP_055129.2, residues 581-601): EIEQDLTQRF[Glu591Lys]EKLQELESVS